The following is an entry in ClinVar:

NM_006892.4(DNMT3B):c.1996+6C>G

Gene: DNMT3B (DNA methyltransferase 3 beta; plus strand). Cytogenetic location: 20q11.21.
Variant type: single nucleotide variant.
Coding change: c.1996+6C>G on transcript NM_006892.4 (MANE Select); 6 bases into the intron after coding-DNA position 1996, C replaced by G.
Molecular consequence: intron variant.
Genome position (GRCh38, 1-based): chr20:32,800,931, C>G. VCF-style: chr20-32800931-C-G. GRCh37 (hg19) VCF-style: chr20-31388737-C-G.
Other names: c.1936+6C>G (NM_175848.2, NM_175849.2); c.1810+6C>G (NM_001207055.2); c.1708+6C>G (NM_001207056.2); c.1972+6C>G (NM_175850.3).
Identifiers: ClinVar variation 1436400 (VCV001436400.4), dbSNP rs77355896, ClinGen allele CA9810779.

ClinVar aggregate classification (germline): Conflicting classifications of pathogenicity. Review status: criteria provided, conflicting classifications (1 of 4 stars). 2 submissions from 2 submitters: Uncertain significance (1); Likely benign (1). Last evaluated 2024-05-27.

Conditions:
Centromeric instability of chromosomes 1,9 and 16 and immunodeficiency (ICF1). Also called: IMMUNE DEFICIENCY, VARIABLE, WITH CENTROMERIC INSTABILITY OF CHROMOSOMES 1, 9, AND 16; IMMUNODEFICIENCY SYNDROME, VARIABLE; Immunodeficiency-centromeric instability-facial anomalies; CENTROMERIC INSTABILITY, IMMUNODEFICIENCY SYNDROME. Identifiers: Orphanet 2268, MedGen C0398788, MONDO:0000133.

Allele frequency attached by ClinVar (database versions not stated): 1000 Genomes Project 30x 0.00016.
gnomAD v4.1: 85 of 1,614,152 alleles (0.0053%); highest among the groups gnomAD compares: South Asian, 0.0099%; 1 homozygote.

Submissions (2):

Blueprint Genetics
Classification: Likely benign. Last evaluated: 2024-05-27. Review status: criteria provided, single submitter. Criteria: ACMG Guidelines, 2015. Collection method: clinical testing. Allele origin: germline.

Labcorp Genetics (formerly Invitae), Labcorp
Classification: Uncertain significance for Centromeric instability of chromosomes 1,9 and 16 and immunodeficiency. Last evaluated: 2022-02-03. Review status: criteria provided, single submitter. Criteria: Invitae Variant Classification Sherloc (09022015). Collection method: clinical testing. Allele origin: germline.
Comment: This sequence change falls in intron 18 of the DNMT3B gene. It does not directly change the encoded amino acid sequence of the DNMT3B protein. It affects a nucleotide within the consensus splice site. This variant is present in population databases (rs77355896, gnomAD 0.003%). This variant has not been reported in the literature in individuals affected with DNMT3B-related conditions. Variants that disrupt the consensus splice site are a relatively common cause of aberrant splicing (PMID: 17576681, 9536098). Algorithms developed to predict the effect of sequence changes on RNA splicing suggest that this variant is not likely to affect RNA splicing. In summary, the available evidence is currently insufficient to determine the role of this variant in disease. Therefore, it has been classified as a Variant of Uncertain Significance.

Literature cited by the submitters: PubMed 17576681 (cited by Labcorp Genetics (formerly Invitae), Labcorp); PubMed 9536098 (cited by Labcorp Genetics (formerly Invitae), Labcorp).